The following is an entry in ClinVar:

ClinVar aggregate classification (germline): Benign/Likely benign. Review status: criteria provided, multiple submitters, no conflicts (2 of 4 stars). 3 submissions from 3 submitters: Benign (1); Likely benign (2). Last evaluated 2025-06-29.

Conditions:
Hereditary diffuse gastric adenocarcinoma (HDGC). Also called: DIFFUSE GASTRIC AND LOBULAR BREAST CANCER SYNDROME. Identifiers: Orphanet 26106, MedGen C1708349, MONDO:0007648, OMIM 137215.
Hereditary cancer-predisposing syndrome. Also called: Hereditary neoplastic syndrome; Neoplastic Syndromes, Hereditary; Tumor predisposition; Hereditary Cancer Syndrome. Identifiers: Orphanet 140162, MedGen C0027672, MeSH D009386, MONDO:0015356.

gnomAD v4.1: 6 of 1,614,188 alleles (0.00037%); highest among the groups gnomAD compares: Admixed American, 0.0083%; no homozygotes.

Submissions (3):

Labcorp Genetics (formerly Invitae), Labcorp
Classification: Likely benign. Last evaluated: 2025-06-29. Review status: criteria provided, single submitter. Criteria: Invitae Variant Classification Sherloc (09022015). Collection method: clinical testing. Allele origin: germline.

Myriad Genetics, Inc.
Classification: Benign for Hereditary diffuse gastric adenocarcinoma. Last evaluated: 2024-10-10. Review status: criteria provided, single submitter. Criteria: Myriad Autosomal Dominant, Autosomal Recessive and X-Linked Classification Criteria (2023). Collection method: clinical testing. Allele origin: unknown.
Comment: This variant is considered benign. This variant is a silent/synonymous amino acid change and it is not expected to impact splicing.

Ambry Genetics
Classification: Likely benign for Hereditary cancer-predisposing syndrome. Last evaluated: 2020-11-02. Review status: criteria provided, single submitter. Criteria: Ambry Variant Classification Scheme 2023. Collection method: clinical testing. Allele origin: germline.

NM_001903.5(CTNNA1):c.867C>A (p.Ile289=)

Gene: CTNNA1 (catenin alpha 1; plus strand). Cytogenetic location: 5q31.2.
Variant type: single nucleotide variant.
Coding change: c.867C>A on transcript NM_001903.5 (MANE Select); coding-DNA position 867, C replaced by A.
Protein change: p.Ile289=; no amino-acid change (isoleucine 289 retained).
Molecular consequence: synonymous variant.
Genome position (GRCh38, 1-based): chr5:138,827,523, C>A. VCF-style: chr5-138827523-C-A. GRCh37 (hg19) VCF-style: chr5-138163212-C-A.
Other names: c.867C>A, p.Ile289= (NM_001290307.3, NM_001323982.2, NM_001323983.1 and 3 more transcripts); c.558C>A, p.Ile186= (NM_001290309.3); c.498C>A, p.Ile166= (NM_001290310.3).
Identifiers: ClinVar variation 736970 (VCV000736970.14), dbSNP rs767757408, ClinGen allele CA3431584.